The following is an entry in ClinVar:

ClinVar aggregate classification (germline): Uncertain significance (1 of 4 stars; one submission).

gnomAD v4.1: 1 of 1,613,696 alleles (0.000062%); highest among the groups gnomAD compares: Non-Finnish European, 0.000085%; no homozygotes.

Submission:

GeneDx
Classification: Uncertain significance. Last evaluated: 2025-02-24. Review status: criteria provided, single submitter. Criteria: GeneDx Variant Classification Process June 2021. Collection method: clinical testing. Allele origin: germline. Affected: yes.
Comment: Not observed at significant frequency in large population cohorts (gnomAD); In silico analysis supports that this missense variant has a deleterious effect on protein structure/function; Has not been previously published as pathogenic or benign to our knowledge

NM_012208.4(HARS2):c.862C>T (p.Pro288Ser)

Gene: HARS2 (histidyl-tRNA synthetase 2, mitochondrial; plus strand). Cytogenetic location: 5q31.3.
Variant type: single nucleotide variant.
Coding change: c.862C>T on transcript NM_012208.4 (MANE Select); coding-DNA position 862, C replaced by T.
Protein change: p.Pro288Ser; replaces proline 288 with serine.
Molecular consequence: missense variant.
Genome position (GRCh38, 1-based): chr5:140,696,978, C>T. VCF-style: chr5-140696978-C-T. GRCh37 (hg19) VCF-style: chr5-140076563-C-T.
Other names: c.787C>T, p.Pro263Ser (NM_001278731.2); c.430C>T, p.Pro144Ser (NM_001278732.2); c.880C>T, p.Pro294Ser (NM_001363535.2); c.652C>T, p.Pro218Ser (NM_001363536.2); short protein forms P144S, P218S, P263S, P288S, P294S.
Identifiers: ClinVar variation 4076779 (VCV004076779.1).